The following is an entry in ClinVar:

NM_000091.5(COL4A3):c.166C>T (p.Pro56Ser)

Genes: COL4A3 (collagen type IV alpha 3 chain; plus strand), MFF-DT (MFF divergent transcript; minus strand). Cytogenetic location: 2q36.3.
Variant type: single nucleotide variant.
Coding change: c.166C>T on transcript NM_000091.5 (MANE Select); coding-DNA position 166, C replaced by T.
Protein change: p.Pro56Ser; replaces proline 56 with serine.
Molecular consequence: missense variant.
Genome position (GRCh38, 1-based): chr2:227,240,164, C>T. VCF-style: chr2-227240164-C-T. GRCh37 (hg19) VCF-style: chr2-228104880-C-T.
Other names: short protein forms P56S.
Identifiers: ClinVar variation 3618795 (VCV003618795.3).

ClinVar aggregate classification (germline): Uncertain significance. Review status: criteria provided, single submitter (1 of 4 stars). 2 submissions from 2 submitters: Uncertain significance (1). 1 of the submissions does not count toward it. Last evaluated 2024-09-09.

Conditions:
Alport syndrome. Also called: Hemorrhagic familial nephritis; Hemorrhagic hereditary nephritis; Congenital hereditary hematuria. Identifiers: Orphanet 63, MedGen C1567741, MONDO:0018965.

gnomAD v4.1: 3 of 1,609,498 alleles (0.00019%); highest among the groups gnomAD compares: Non-Finnish European, 0.00017%; no homozygotes.

Submissions (2):

Labcorp Genetics (formerly Invitae), Labcorp
Classification: Uncertain significance. Last evaluated: 2024-09-09. Review status: criteria provided, single submitter. Criteria: Invitae Variant Classification Sherloc (09022015). Collection method: clinical testing. Allele origin: germline.
Comment: This sequence change replaces proline, which is neutral and non-polar, with serine, which is neutral and polar, at codon 56 of the COL4A3 protein (p.Pro56Ser). This variant is present in population databases (no rsID available, gnomAD 0.0009%). This variant has not been reported in the literature in individuals affected with COL4A3-related conditions. Invitae Evidence Modeling of protein sequence and biophysical properties (such as structural, functional, and spatial information, amino acid conservation, physicochemical variation, residue mobility, and thermodynamic stability) indicates that this missense variant is not expected to disrupt COL4A3 protein function with a negative predictive value of 95%. In summary, the available evidence is currently insufficient to determine the role of this variant in disease. Therefore, it has been classified as a Variant of Uncertain Significance.

Natera, Inc.
Classification: Uncertain significance for Alport syndrome. Last evaluated: 2025-04-10. Review status: no assertion criteria provided. Collection method: clinical testing. Allele origin: germline. Not counted in ClinVar's aggregate classification.